The following is an entry in ClinVar:

NM_003978.5(PSTPIP1):c.1070C>T (p.Pro357Leu)

Gene: PSTPIP1 (proline-serine-threonine phosphatase interacting protein 1; plus strand). Cytogenetic location: 15q24.3.
Variant type: single nucleotide variant.
Coding change: c.1070C>T on transcript NM_003978.5 (MANE Select); coding-DNA position 1070, C replaced by T.
Protein change: p.Pro357Leu; replaces proline 357 with leucine.
Molecular consequence: missense variant. On other transcripts: non-coding transcript variant (1).
Genome position (GRCh38, 1-based): chr15:77,035,886, C>T. VCF-style: chr15-77035886-C-T. GRCh37 (hg19) VCF-style: chr15-77328227-C-T.
Other names: c.1013C>T, p.Pro338Leu (NM_001321135.2); c.1043C>T, p.Pro348Leu (NM_001321136.2); c.1265C>T, p.Pro422Leu (NM_001321137.1); c.1070C>T (NM_003978.3); short protein forms P348L, P357L, P422L, P338L.
Identifiers: ClinVar variation 1447262 (VCV001447262.8), dbSNP rs755840747, ClinGen allele CA7676153.

ClinVar aggregate classification (germline): Uncertain significance. Review status: criteria provided, multiple submitters, no conflicts (2 of 4 stars). 3 submissions from 3 submitters: Uncertain significance (3). Last evaluated 2024-03-20.

Conditions:
Inborn genetic diseases. Identifiers: MedGen C0950123, MeSH D030342.
Pyogenic arthritis-pyoderma gangrenosum-acne syndrome (PAPA). Also called: PAPA SYNDROME; FAMILIAL RECURRENT ARTHRITIS. Identifiers: Orphanet 69126, MedGen C1858361, MONDO:0011462, OMIM 604416.

Allele frequency attached by ClinVar (database versions not stated): TOPMed 0.00001; ExAC 0.00002.
gnomAD v4.1: 11 of 1,610,220 alleles (0.00068%); highest among the groups gnomAD compares: Admixed American, 0.0017%; no homozygotes.

Submissions (3):

Ambry Genetics
Classification: Uncertain significance for Inborn genetic diseases. Last evaluated: 2024-03-20. Review status: criteria provided, single submitter. Criteria: Ambry Variant Classification Scheme 2023. Collection method: clinical testing. Allele origin: germline.

Labcorp Genetics (formerly Invitae), Labcorp
Classification: Uncertain significance for Pyogenic arthritis-pyoderma gangrenosum-acne syndrome. Last evaluated: 2024-02-28. Review status: criteria provided, single submitter. Criteria: Invitae Variant Classification Sherloc (09022015). Collection method: clinical testing. Allele origin: germline.
Comment: This sequence change replaces proline, which is neutral and non-polar, with leucine, which is neutral and non-polar, at codon 357 of the PSTPIP1 protein (p.Pro357Leu). The frequency data for this variant in the population databases is considered unreliable, as metrics indicate poor data quality at this position in the gnomAD database. This variant has not been reported in the literature in individuals affected with PSTPIP1-related conditions. ClinVar contains an entry for this variant (Variation ID: 1447262). Algorithms developed to predict the effect of missense changes on protein structure and function output the following: SIFT: "Not Available"; PolyPhen-2: "Benign"; Align-GVGD: "Not Available". The leucine amino acid residue is found in multiple mammalian species, which suggests that this missense change does not adversely affect protein function. In summary, the available evidence is currently insufficient to determine the role of this variant in disease. Therefore, it has been classified as a Variant of Uncertain Significance.

ARUP Laboratories, Molecular Genetics and Genomics, ARUP Laboratories
Classification: Uncertain significance for Pyogenic arthritis-pyoderma gangrenosum-acne syndrome. Last evaluated: 2022-04-08. Review status: criteria provided, single submitter. Criteria: ARUP Molecular Germline Variant Investigation Process 2021. Collection method: clinical testing. Allele origin: germline.
Comment: The PSTPIP1 c.1070C>T; p.Pro357Leu variant (rs755840747), to our knowledge, is not reported in the medical literature but is reported in ClinVar (Variation ID: 1447262). This variant is only observed on one allele in the Genome Aggregation Database, indicating it is not a common polymorphism. The proline at codon 357 is weakly conserved, and computational analyses predict that this variant is neutral (REVEL: 0.018). Due to limited information, the clinical significance of the p.Pro357Leu variant is uncertain at this time.